The following is an entry in ClinVar:

NM_018075.5(ANO10):c.1850del (p.Pro617fs)

Gene: ANO10 (anoctamin 10; minus strand). Cytogenetic location: 3p22.1.
Variant type: Deletion.
Coding change: c.1850del on transcript NM_018075.5 (MANE Select); coding-DNA position 1850, one base deleted (C; older notation c.1850delC).
Protein change: p.Pro617fs; shifts the reading frame from proline 617.
Molecular consequence: frameshift variant. On other transcripts: intron variant (3).
Genome position (GRCh38, 1-based): chr3:43,432,675, G deleted on the plus strand (C on the coding strand, the reverse complement: ANO10 is on the minus strand); the first of 2 consecutive G bases (chr3:43,432,675-43,432,676); deleting either gives the same sequence. VCF-style (leftmost placement, unchanged base first): chr3-43432674-TG-T. GRCh37 (hg19) VCF-style: chr3-43474166-TG-T.
Other names: c.1652del, p.Pro551fs (NM_001204832.3, NM_001346466.2, NM_001346469.2); c.1517del, p.Pro506fs (NM_001204833.3); c.1280del, p.Pro427fs (NM_001204834.3); c.1967del, p.Pro656fs (NM_001346464.2, NM_001346467.2); c.1850del, p.Pro617fs (NM_001346468.2); c.1798-65701del (NM_001346465.2); c.1798-59828del (NM_001204831.3); c.1915-65701del (NM_001346463.2); short protein forms P551fs, P617fs, P427fs, P506fs, P656fs.
Identifiers: ClinVar variation 2692523 (VCV002692523.1), dbSNP rs1386923575, ClinGen allele CA907265407.
Genomic context (GRCh38, chr3:43,432,674, plus strand): 5'-CTGCTTGAGTGCCTCCAAAGACTCAAATTCCAGTCTGGCTAGTTTCATCTGGATATGCCG[TG>T]GCTTATCAGGTATGGCAAATGCAAGTATAAACTTTAAAGCCAGGAGTGCGTGCTGAAAAC-3'

ClinVar aggregate classification (germline): Uncertain significance (1 of 4 stars; one submission).

Submission:

Greenwood Genetic Center Diagnostic Laboratories, Greenwood Genetic Center
Classification: Uncertain significance. Last evaluated: 2023-12-21. Review status: criteria provided, single submitter. Criteria: ACMG Guidelines, 2015. Collection method: clinical testing. Allele origin: germline. Affected: yes.
Comment: PM2